The following is an entry in ClinVar:

NM_000046.5(ARSB):c.317G>A (p.Arg106His)

Gene: ARSB (arylsulfatase B; minus strand). Cytogenetic location: 5q14.1.
Variant type: single nucleotide variant.
Coding change: c.317G>A on transcript NM_000046.5 (MANE Select); coding-DNA position 317, G replaced by A.
Protein change: p.Arg106His; replaces arginine 106 with histidine.
Molecular consequence: missense variant.
Genome position (GRCh38, 1-based): chr5:78,969,188, C>T on the plus strand (G>A on the coding strand, the complement: ARSB is on the minus strand). VCF-style: chr5-78969188-C-T. GRCh37 (hg19) VCF-style: chr5-78265011-C-T.
Other names: c.317G>A, p.Arg106His (NM_198709.3); short protein forms R106H.
Identifiers: ClinVar variation 558775 (VCV000558775.27), dbSNP rs150087888, ClinGen allele CA3318290.

ClinVar aggregate classification (germline): Conflicting classifications of pathogenicity. Review status: criteria provided, conflicting classifications (1 of 4 stars). 9 submissions from 9 submitters: Uncertain significance (3); Likely benign (4). 2 of the submissions do not count toward it. Last evaluated 2026-01-31.

Conditions:
Mucopolysaccharidosis type 6 (MPS6). Also called: MPS VI; ARSB DEFICIENCY; ARYLSULFATASE B DEFICIENCY; N-ACETYLGALACTOSAMINE-4-SULFATASE DEFICIENCY; MPS 6; Maroteaux Lamy syndrome. Identifiers: Orphanet 583, MedGen C0026709, MONDO:0009661, OMIM 253200.
ARSB-related disorder. Also called: ARSB-related condition.

Allele frequency attached by ClinVar (database versions not stated): gnomAD exomes 0.00065; ExAC 0.00082; 1000 Genomes Project 0.00100; 1000 Genomes Project 30x 0.00109; gnomAD 0.00212 and 0.00230; ESP Exome Variant Server 0.00246; TOPMed 0.00298.

Submissions (9):

Labcorp Genetics (formerly Invitae), Labcorp
Classification: Likely benign for Mucopolysaccharidosis type 6. Last evaluated: 2026-01-31. Review status: criteria provided, single submitter. Criteria: Invitae Variant Classification Sherloc (09022015). Collection method: clinical testing. Allele origin: germline.

PreventionGenetics, part of Exact Sciences
Classification: Likely benign for ARSB-related condition. Last evaluated: 2025-01-16. Review status: criteria provided, single submitter. Criteria: ACMG Guidelines, 2015. Collection method: clinical testing. Allele origin: germline.
Comment: This variant is classified as likely benign based on ACMG/AMP sequence variant interpretation guidelines (Richards et al. 2015 PMID: 25741868, with internal and published modifications).

Blueprint Genetics
Classification: Uncertain significance. Last evaluated: 2024-11-06. Review status: criteria provided, single submitter. Criteria: ACMG Guidelines, 2015. Collection method: clinical testing. Allele origin: germline.

GeneDx
Classification: Likely benign. Last evaluated: 2020-02-24. Review status: criteria provided, single submitter. Criteria: GeneDx Variant Classification Process June 2021. Collection method: clinical testing. Allele origin: germline. Affected: yes.
Comment: In silico analysis supports that this missense variant does not alter protein structure/function; This variant is associated with the following publications: (PMID: 17458871, 21228398)

Fulgent Genetics
Classification: Uncertain significance for Mucopolysaccharidosis type 6. Last evaluated: 2018-10-31. Review status: criteria provided, single submitter. Criteria: ACMG Guidelines, 2015. Collection method: clinical testing. Allele origin: unknown.

Illumina Laboratory Services, Illumina
Classification: Likely benign for Mucopolysaccharidosis type 6. Last evaluated: 2018-01-12. Review status: criteria provided, single submitter. Criteria: ICSL Variant Classification Criteria 13 December 2019. Collection method: clinical testing. Allele origin: germline.
Comment: This variant was observed in the ICSL laboratory as part of a predisposition screen in an ostensibly healthy population. It had not been previously curated by ICSL or reported in the Human Gene Mutation Database (HGMD: prior to June 1st, 2018), and was therefore a candidate for classification through an automated scoring system. Utilizing variant allele frequency, disease prevalence and penetrance estimates, and inheritance mode, an automated score was calculated to assess if this variant is too frequent to cause the disease. Based on the score and internal cut-off values, a variant classified as likely benign is not then subjected to further curation. The score for this variant resulted in a classification of likely benign for this disease.

Laboratory of Diagnosis and Therapy of Lysosomal Disorders, University of Padova
Classification: Uncertain significance for Mucopolysaccharidosis type 6. Last evaluated: 2018-01-01. Review status: criteria provided, single submitter. Criteria: ACMG Guidelines, 2015. Collection method: curation. Allele origin: germline. Affected: yes.

Natera, Inc.
Classification: Likely benign for Mucopolysaccharidosis type VI. Last evaluated: 2019-12-30. Review status: no assertion criteria provided. Collection method: clinical testing. Allele origin: germline. Not counted in ClinVar's aggregate classification.

Mayo Clinic Laboratories, Mayo Clinic
Classification: Uncertain significance. Last evaluated: 2017-09-20. Review status: no assertion criteria provided. Collection method: clinical testing. Allele origin: unknown. Not counted in ClinVar's aggregate classification.

Literature cited by the submitters: PubMed 17458871 (cited by Laboratory of Diagnosis and Therapy of Lysosomal Disorders, University of Padova); PubMed 30118150 (cited by Laboratory of Diagnosis and Therapy of Lysosomal Disorders, University of Padova).